The following is an entry in ClinVar:

ClinVar aggregate classification (germline): Benign. Review status: criteria provided, multiple submitters, no conflicts (2 of 4 stars). 2 submissions from 2 submitters: Benign (2). Last evaluated 2018-06-19.

Allele frequency attached by ClinVar (database versions not stated): gnomAD exomes 0.00160; 1000 Genomes Project 0.01358; 1000 Genomes Project 30x 0.01577; gnomAD 0.01577 and 0.01706; TOPMed 0.01762.
gnomAD v4.1: 4,073 of 1,131,156 alleles (0.36%); highest among the groups gnomAD compares: African/African-American, 5.4%; 111 homozygotes.

Submissions (2):

GeneDx
Classification: Benign. Last evaluated: 2018-06-19. Review status: criteria provided, single submitter. Criteria: GeneDx Variant Classification (06012015). Collection method: clinical testing. Allele origin: germline. Affected: yes.
Comment: This variant is considered likely benign or benign based on one or more of the following criteria: it is a conservative change, it occurs at a poorly conserved position in the protein, it is predicted to be benign by multiple in silico algorithms, and/or has population frequency not consistent with disease.

Breakthrough Genomics
Classification: Benign. Review status: criteria provided, single submitter. Criteria: ACMG Guidelines, 2015. Collection method: not provided. Allele origin: germline. Inheritance: Unknown mechanism. Affected: yes.

NM_014476.6(PDLIM3):c.662+106A>G

Gene: PDLIM3 (PDZ and LIM domain 3; minus strand). Cytogenetic location: 4q35.1.
Variant type: single nucleotide variant.
Coding change: c.662+106A>G on transcript NM_014476.6 (MANE Select); 106 bases into the intron after coding-DNA position 662, A replaced by G.
Molecular consequence: intron variant.
Genome position (GRCh38, 1-based): chr4:185,508,193, T>C on the plus strand (A>G on the coding strand, the complement: PDLIM3 is on the minus strand). VCF-style: chr4-185508193-T-C. GRCh37 (hg19) VCF-style: chr4-186429347-T-C.
Other names: c.162-1541A>G (NM_001257963.2); c.399-1541A>G (NM_001257962.2); c.519-1541A>G (NM_001114107.5).
Identifiers: ClinVar variation 676061 (VCV000676061.2), dbSNP rs147403163, ClinGen allele CA112044624.